The following is an entry in ClinVar:

NM_003664.5(AP3B1):c.1220G>A (p.Arg407Gln)

Gene: AP3B1 (adaptor related protein complex 3 subunit beta 1; minus strand). Cytogenetic location: 5q14.1.
Variant type: single nucleotide variant.
Coding change: c.1220G>A on transcript NM_003664.5 (MANE Select); coding-DNA position 1220, G replaced by A.
Protein change: p.Arg407Gln; replaces arginine 407 with glutamine.
Molecular consequence: missense variant.
Genome position (GRCh38, 1-based): chr5:78,165,620, C>T on the plus strand (G>A on the coding strand, the complement: AP3B1 is on the minus strand). VCF-style: chr5-78165620-C-T. GRCh37 (hg19) VCF-style: chr5-77461444-C-T.
Other names: c.1073G>A, p.Arg358Gln (NM_001271769.2); short protein forms R358Q, R407Q.
Identifiers: ClinVar variation 954816 (VCV000954816.7), dbSNP rs779980435, ClinGen allele CA3317135.

ClinVar aggregate classification (germline): Uncertain significance (1 of 4 stars; one submission).

Conditions:
Hermansky-Pudlak syndrome 2 (HPS2). Also called: Platelet defects and oculocutaneous albinism. Identifiers: Orphanet 183678, Orphanet 79430, MedGen C1842362, MONDO:0011997, OMIM 608233.

Allele frequency attached by ClinVar (database versions not stated): gnomAD 0.00001; TOPMed 0.00002.
gnomAD v4.1: 18 of 1,608,054 alleles (0.0011%); highest among the groups gnomAD compares: Middle Eastern, 0.017%; no homozygotes.

Submission:

Labcorp Genetics (formerly Invitae), Labcorp
Classification: Uncertain significance for Hermansky-Pudlak syndrome 2. Last evaluated: 2021-08-26. Review status: criteria provided, single submitter. Criteria: Invitae Variant Classification Sherloc (09022015). Collection method: clinical testing. Allele origin: germline.
Comment: This sequence change replaces arginine with glutamine at codon 407 of the AP3B1 protein (p.Arg407Gln). The arginine residue is highly conserved and there is a small physicochemical difference between arginine and glutamine. This variant is present in population databases (rs779980435, ExAC 0.01%). This variant has not been reported in the literature in individuals affected with AP3B1-related conditions. Algorithms developed to predict the effect of missense changes on protein structure and function are either unavailable or do not agree on the potential impact of this missense change (SIFT: "Deleterious"; PolyPhen-2: "Possibly Damaging"; Align-GVGD: "Class C0"). In summary, the available evidence is currently insufficient to determine the role of this variant in disease. Therefore, it has been classified as a Variant of Uncertain Significance.